The following is an entry in ClinVar:

ClinVar aggregate classification (germline): Uncertain significance (1 of 4 stars; one submission).

Conditions:
Baller-Gerold syndrome (BGS). Also called: CRANIOSYNOSTOSIS WITH RADIAL DEFECTS. Identifiers: Orphanet 1225, MedGen C0265308, MONDO:0009039, OMIM 218600.

Submission:

Labcorp Genetics (formerly Invitae), Labcorp
Classification: Uncertain significance for Baller-Gerold syndrome. Last evaluated: 2020-01-23. Review status: criteria provided, single submitter. Criteria: Invitae Variant Classification Sherloc (09022015). Collection method: clinical testing. Allele origin: germline.
Comment: This sequence change replaces alanine with proline at codon 1001 of the RECQL4 protein (p.Ala1001Pro). The alanine residue is moderately conserved and there is a small physicochemical difference between alanine and proline. This variant is not present in population databases (ExAC no frequency). This variant has not been reported in the literature in individuals with RECQL4-related conditions. Experimental studies and prediction algorithms are not available or were not evaluated, and the functional significance of this variant is currently unknown. The proline amino acid residue is found in multiple mammalian species, suggesting that this missense change does not adversely affect protein function. These predictions have not been confirmed by published functional studies and their clinical significance is uncertain. In summary, the available evidence is currently insufficient to determine the role of this variant in disease. Therefore, it has been classified as a Variant of Uncertain Significance.

NM_004260.4(RECQL4):c.3001G>C (p.Ala1001Pro)

Gene: RECQL4 (RecQ like helicase 4; minus strand). Cytogenetic location: 8q24.3.
Variant type: single nucleotide variant.
Coding change: c.3001G>C on transcript NM_004260.4 (MANE Select); coding-DNA position 3001, G replaced by C.
Protein change: p.Ala1001Pro; replaces alanine 1001 with proline.
Molecular consequence: missense variant.
Genome position (GRCh38, 1-based): chr8:144,512,446, C>G on the plus strand (G>C on the coding strand, the complement: RECQL4 is on the minus strand). VCF-style: chr8-144512446-C-G. GRCh37 (hg19) VCF-style: chr8-145737829-C-G.
Other names: short protein forms A1001P.
Identifiers: ClinVar variation 1050859 (VCV001050859.3), dbSNP rs2130662576, ClinGen allele CA372672746.
Genomic context (GRCh38, chr8:144,512,446, plus strand): 5'-GCGCACCTGTCCTGGGCTCGTGGTCCCACTGCAGCTGGCAGAGAGCCCGCCGCACAGAGG[C>G]CAGCTCCCAGCCCATGGAGTCCACCAGCTTGACCATGTCAAACTCCACGGAGCTGCTGCC-3'
Protein context (NP_004251.4, residues 991-1011): KLVDSMGWEL[Ala1001Pro]SVRRALCQLQ